The following is an entry in ClinVar:

ClinVar aggregate classification (germline): Pathogenic (1 of 4 stars; one submission).

Conditions:
Hereditary cancer-predisposing syndrome. Also called: Tumor predisposition; Neoplastic Syndromes, Hereditary; Hereditary neoplastic syndrome; Hereditary Cancer Syndrome. Identifiers: Orphanet 140162, MedGen C0027672, MeSH D009386, MONDO:0015356.

Submission:

Color Diagnostics, LLC DBA Color Health
Classification: Pathogenic for Hereditary cancer-predisposing syndrome. Last evaluated: 2020-05-13. Review status: criteria provided, single submitter. Criteria: ACMG Guidelines, 2015. Collection method: clinical testing. Allele origin: germline.
Comment: This variant inserts 1 nucleotide in exon 4 of the ATM gene, creating a frameshift and premature translation stop signal. This variant is expected to result in an absent or non-functional protein product. To our knowledge, this variant has not been reported in individuals affected with hereditary cancer in the literature. This variant has not been identified in the general population by the Genome Aggregation Database (gnomAD). Loss of ATM function is a known mechanism of disease. Based on the available evidence, this variant is classified as Pathogenic.

NM_000051.4(ATM):c.192dup (p.Gln65fs)

Gene: ATM (ATM serine/threonine kinase; plus strand). Cytogenetic location: 11q22.3.
Variant type: Duplication.
Coding change: c.192dup on transcript NM_000051.4 (MANE Select); coding-DNA position 192, one base duplicated (A; older notation c.192dupA).
Protein change: p.Gln65fs; shifts the reading frame from glutamine 65.
Molecular consequence: frameshift variant.
Genome position (GRCh38, 1-based): chr11:108,229,184, A duplicated. VCF-style (leftmost placement, unchanged base first): chr11-108229183-T-TA. GRCh37 (hg19) VCF-style: chr11-108099910-T-TA.
Other names: c.192dupA (NM_000051.3); c.192dup, p.Gln65fs (NM_001351834.2, NM_001351835.2, NM_001351836.2); short protein forms Q65fs.
Identifiers: ClinVar variation 630950 (VCV000630950.4), dbSNP rs1565346604, ClinGen allele CA913188373.